The following is an entry in ClinVar:

NM_001394062.1(MACF1):c.19058T>C (p.Ile6353Thr)

Gene: MACF1 (microtubule actin crosslinking factor 1; plus strand). Cytogenetic location: 1p34.3.
Variant type: single nucleotide variant.
Coding change: c.19058T>C on transcript NM_001394062.1 (MANE Select); coding-DNA position 19058, T replaced by C.
Protein change: p.Ile6353Thr; replaces isoleucine 6353 with threonine.
Molecular consequence: missense variant.
Genome position (GRCh38, 1-based): chr1:39,442,521, T>C. VCF-style: chr1-39442521-T-C. GRCh37 (hg19) VCF-style: chr1-39908193-T-C.
Other names: c.7136T>C, p.Ile2379Thr (NM_001397473.1); c.12881T>C, p.Ile4294Thr (NM_012090.5); short protein forms I2379T, I4294T, I6353T.
Identifiers: ClinVar variation 4851900 (VCV004851900.1).

ClinVar aggregate classification (germline): Uncertain significance (1 of 4 stars; one submission).

Submission:

Dasa
Classification: Uncertain significance. Last evaluated: 2025-04-29. Review status: criteria provided, single submitter. Criteria: DASA Assertion Criteria. Collection method: clinical testing. Allele origin: germline.
Comment: NM_001394062.1(MACF1):c.19058T>C (p.Ile6353Thr) is a missense variant that results in the substitution of isoleucine with threonine. Multiple computational predictions support a deleterious effect on the gene or gene product. The variant is present at low frequency in population datasets. Based on the available data, this variant is classified as variant of uncertain significance.